The following is an entry in ClinVar:

ClinVar aggregate classification (germline): Uncertain significance (1 of 4 stars; one submission).

Conditions:
Encephalopathy, acute, infection-induced (herpes-specific), susceptibility to, 1. Also called: Herpes simplex encephalitis, susceptibility to, 1. Identifiers: Orphanet 1930, MedGen C2750180, MONDO:0024563, OMIM 610551.

Allele frequency attached by ClinVar (database versions not stated): gnomAD exomes below 0.00001.
gnomAD v4.1: 5 of 1,602,214 alleles (0.00031%); highest among the groups gnomAD compares: Non-Finnish European, 0.00042%; no homozygotes.

Submissions (2):

Labcorp Genetics (formerly Invitae), Labcorp
Classification: Uncertain significance for Encephalopathy, acute, infection-induced (herpes-specific), susceptibility to, 1. Last evaluated: 2022-05-25. Review status: criteria provided, single submitter. Criteria: Invitae Variant Classification Sherloc (09022015). Collection method: clinical testing. Allele origin: germline.
Comment: This sequence change falls in intron 7 of the UNC93B1 gene. It does not directly change the encoded amino acid sequence of the UNC93B1 protein. It affects a nucleotide within the consensus splice site. This variant is not present in population databases (gnomAD no frequency). This variant has not been reported in the literature in individuals affected with UNC93B1-related conditions. Variants that disrupt the consensus splice site are a relatively common cause of aberrant splicing (PMID: 17576681, 9536098). Algorithms developed to predict the effect of sequence changes on RNA splicing suggest that this variant may disrupt the consensus splice site. In summary, the available evidence is currently insufficient to determine the role of this variant in disease. Therefore, it has been classified as a Variant of Uncertain Significance.

Dr. Peter K. Rogan Lab, Western University
No classification provided (evidence only). Condition: Gastric cancer. Review status: no classification provided. Collection method: in vitro. Allele origin: not applicable. Functional consequence: retained intron. Not counted in ClinVar's aggregate classification.

Literature cited by the submitters: PubMed 17576681 (cited by Labcorp Genetics (formerly Invitae), Labcorp); PubMed 9536098 (cited by Labcorp Genetics (formerly Invitae), Labcorp).

NM_030930.4(UNC93B1):c.906+5G>A

Gene: UNC93B1 (unc-93B1 regulator of TLR signaling; minus strand). Cytogenetic location: 11q13.2.
Variant type: single nucleotide variant.
Coding change: c.906+5G>A on transcript NM_030930.4 (MANE Select); 5 bases into the intron after coding-DNA position 906, G replaced by A.
Molecular consequence: intron variant.
Genome position (GRCh38, 1-based): chr11:67,997,670, C>T on the plus strand (G>A on the coding strand, the complement: UNC93B1 is on the minus strand). VCF-style: chr11-67997670-C-T. GRCh37 (hg19) VCF-style: chr11-67765141-C-T.
Identifiers: ClinVar variation 1998842 (VCV001998842.2), dbSNP rs2495486126, ClinGen allele CA2580084659.
Genomic context (GRCh38, chr11:67,997,670, plus strand): 5'-GCAGACTCGGTCCCCAGAACCACACTCTGCTTCACTGACTGTCCTGCCCCCATCCCGGGC[C>T]GCACCAGCAGCATGGCCAGGAAGGCCACTGCCATGAGCACGCTCTCCACCACAATGAGGT-3'